The following is an entry in ClinVar:

NM_175875.5(SIX5):c.1023C>T (p.Gly341=)

Genes: SIX5 (SIX homeobox 5; minus strand), LOC107075317 (origin of replication in DMPK trinucleotide repeat region; plus strand). Cytogenetic location: 19q13.32.
Variant type: single nucleotide variant.
Coding change: c.1023C>T on transcript NM_175875.5 (MANE Select); coding-DNA position 1023, C replaced by T.
Protein change: p.Gly341=; no amino-acid change (glycine 341 retained).
Molecular consequence: synonymous variant.
Genome position (GRCh38, 1-based): chr19:45,766,936, G>A on the plus strand (C>T on the coding strand, the complement: SIX5 is on the minus strand). VCF-style: chr19-45766936-G-A. GRCh37 (hg19) VCF-style: chr19-46270194-G-A.
Identifiers: ClinVar variation 732703 (VCV000732703.12), dbSNP rs780345670, ClinGen allele CA9520688.

ClinVar aggregate classification (germline): Likely benign. Review status: criteria provided, multiple submitters, no conflicts (2 of 4 stars). 4 submissions from 4 submitters: Likely benign (4). Last evaluated 2026-01-12.

Conditions:
Branchiootorenal syndrome 2 (BOR2). Identifiers: Orphanet 107, MedGen C1970479, MONDO:0012575, OMIM 610896.
SIX5-related disorder. Also called: SIX5-related condition.

Allele frequency attached by ClinVar (database versions not stated): TOPMed 0.00029.
gnomAD v4.1: 116 of 1,570,582 alleles (0.0074%); highest among the groups gnomAD compares: Admixed American, 0.2%; no homozygotes.

Submissions (4):

Labcorp Genetics (formerly Invitae), Labcorp
Classification: Likely benign. Last evaluated: 2026-01-12. Review status: criteria provided, single submitter. Criteria: Invitae Variant Classification Sherloc (09022015). Collection method: clinical testing. Allele origin: germline.

PreventionGenetics, part of Exact Sciences
Classification: Likely benign for SIX5-related condition. Last evaluated: 2024-10-18. Review status: criteria provided, single submitter. Criteria: ACMG Guidelines, 2015. Collection method: clinical testing. Allele origin: germline.
Comment: This variant is classified as likely benign based on ACMG/AMP sequence variant interpretation guidelines (Richards et al. 2015 PMID: 25741868, with internal and published modifications).

Fulgent Genetics
Classification: Likely benign for Branchiootorenal syndrome 2. Last evaluated: 2021-12-23. Review status: criteria provided, single submitter. Criteria: ACMG Guidelines, 2015. Collection method: clinical testing. Allele origin: unknown.

GeneDx
Classification: Likely benign. Last evaluated: 2021-01-19. Review status: criteria provided, single submitter. Criteria: GeneDx Variant Classification Process June 2021. Collection method: clinical testing. Allele origin: germline. Affected: yes.